The following is an entry in ClinVar:

NM_001267550.2(TTN):c.70915_70918del (p.Tyr23639fs)

Genes: TTN (titin; minus strand), TTN-AS1 (TTN antisense RNA 1; plus strand). Cytogenetic location: 2q31.2.
Variant type: Deletion.
Coding change: c.70915_70918del on transcript NM_001267550.2 (MANE Select); coding-DNA positions 70915 to 70918, 4 bases deleted (TATC; older notation c.70915_70918delTATC).
Protein change: p.Tyr23639fs; shifts the reading frame from tyrosine 23639.
Molecular consequence: frameshift variant.
Genome position (GRCh38, 1-based): chr2:178,575,214-178,575,217, GATA deleted on the plus strand (TATC on the coding strand, the reverse complement: TTN is on the minus strand); deleting any 4 consecutive bases within chr2:178,575,214-178,575,220 gives the same sequence; the c. name uses the placement nearest the transcript's 3' end. VCF-style (leftmost placement, unchanged base first): chr2-178575213-TGATA-T. GRCh37 (hg19) VCF-style: chr2-179439940-TGATA-T.
Other names: c.65992_65995del, p.Tyr21998fs (NM_001256850.1); c.43720_43723del, p.Tyr14574fs (NM_003319.4); c.63211_63214del, p.Tyr21071fs (NM_133378.4); c.44095_44098del, p.Tyr14699fs (NM_133432.3); c.44296_44299del, p.Tyr14766fs (NM_133437.4); short protein forms Y14574fs, Y14699fs, Y14766fs, Y21071fs, Y21998fs, Y23639fs.
Identifiers: ClinVar variation 2584423 (VCV002584423.4), dbSNP rs2468665003, ClinGen allele CA2582342028.

ClinVar aggregate classification (germline): Likely pathogenic. Review status: criteria provided, multiple submitters, no conflicts (2 of 4 stars). 3 submissions from 3 submitters: Likely pathogenic (3). Last evaluated 2025-10-19.

Conditions:
Dilated cardiomyopathy 1G (CMD1G). Identifiers: Orphanet 154, MedGen C1858763, MONDO:0011400, OMIM 604145.
Autosomal recessive limb-girdle muscular dystrophy type 2J (LGMDR10). Also called: Limb-girdle muscular dystrophy, type 2J; MUSCULAR DYSTROPHY, LIMB-GIRDLE, AUTOSOMAL RECESSIVE 10. Identifiers: Orphanet 140922, MedGen C1837342, MONDO:0012127, OMIM 608807.
TTN-related disorder. Also called: TTN-related disorders; TTN-related condition; TTN-related disease.
Primary dilated cardiomyopathy (DCM). Also called: Dilated Cardiomyopathy. Identifiers: Orphanet 217604, MedGen C0007193, MeSH D002311, MONDO:0005021, HP:0001644. Inheritance: Various modes of inheritance.

Submissions (3):

Labcorp Genetics (formerly Invitae), Labcorp
Classification: Likely pathogenic for Dilated cardiomyopathy 1G; Autosomal recessive limb-girdle muscular dystrophy type 2J. Last evaluated: 2025-10-19. Review status: criteria provided, single submitter. Criteria: Invitae Variant Classification Sherloc (09022015). Collection method: clinical testing. Allele origin: germline.
Comment: This sequence change creates a premature translational stop signal (p.Tyr23639Argfs*26) in the TTN gene. While this is not anticipated to result in nonsense mediated decay, it is expected to create a truncated TTN protein. This variant is not present in population databases (gnomAD no frequency). This variant has not been reported in the literature in individuals affected with TTN-related conditions. ClinVar contains an entry for this variant (Variation ID: 2584423). This variant is located in the A band of TTN (PMID: 25589632). Truncating variants in this region are significantly overrepresented in patients affected with dilated cardiomyopathy (PMID: 25589632). Truncating variants in this region have also been reported in individuals affected with autosomal recessive centronuclear myopathy (PMID: 23975875). In summary, the currently available evidence indicates that the variant is pathogenic, but additional data are needed to prove that conclusively. Therefore, this variant has been classified as Likely Pathogenic.

Laboratory for Molecular Medicine, Mass General Brigham Personalized Medicine
Classification: Likely pathogenic for Primary dilated cardiomyopathy. Last evaluated: 2019-02-22. Review status: criteria provided, single submitter. Criteria: ACMG Guidelines, 2015. Collection method: clinical testing. Allele origin: germline.
Comment: The p.Tyr21071ArgfsX26 variant in TTN has not been previously reported in individuals with DCM and was absent from large population studies. This variant is predicted to cause a frameshift, which alters the protein’s amino acid sequence beginning at position 21071 and leads to a premature termination codon 26 amino acids downstream. This alteration is then predicted to lead to a truncated or absent protein. Frameshift and other truncating variants in TTN are strongly associated with DCM if they impact the exons encoding for the A-band (Herman 2012, Pugh 2014) and/or are located in an exon that is highly expressed in the heart (Roberts 2015). The p.Tyr21071ArgfsX26 variant is located in the A-band. In summary, although additional studies are required to fully establish its clinical significance, this variant meets criteria to be classified as likely pathogenic for autosomal dominant DCM. ACMG/AMP Criteria applied: PVS1, PM2.

Rady Children's Institute for Genomic Medicine, Rady Children's Hospital San Diego
Classification: Likely pathogenic for TTN-Related Disorders. Review status: criteria provided, single submitter. Criteria: ACMG Guidelines, 2015. Collection method: clinical testing. Allele origin: germline. Affected: yes.
Comment: This frameshifting variant in exon 326 of 363 introduces a premature stop codon and is therefore predicted to result in loss of normal protein function through either protein truncation or nonsense-mediated mRNA decay (NMD). This variant has not been previously reported or functionally characterized in the literature to our knowledge. This variant is located in the A-band of TTN (PMID: 25589632). Frameshifting variants in the TTN gene have been reported in multiple databases, including the Human Gene Mutation Database and ClinVar, in association with cardiomyopathy. Additionally, a majority of these reported variants are located in the A-band region of TTN (PMID: 22335739). The c.70915_70918del (p.Tyr23639ArgfsTer26) variant is absent from the gnomAD population database and thus is presumed to be rare. Based on the available evidence, the c.70915_70918del (p.Tyr23639ArgfsTer26) variant is classified as Likely Pathogenic.

Literature cited by the submitters: PubMed 25589632 (cited by Labcorp Genetics (formerly Invitae), Labcorp); PubMed 23975875 (cited by Labcorp Genetics (formerly Invitae), Labcorp).